The following is an entry in ClinVar:

ClinVar aggregate classification (germline): Uncertain significance (1 of 4 stars; one submission).

Conditions:
IFT172-related disorder. Also called: IFT172-related disorders; IFT172-related condition.

Submission:

PreventionGenetics, part of Exact Sciences
Classification: Uncertain significance for IFT172-related condition. Last evaluated: 2026-03-04. Review status: criteria provided, single submitter. Criteria: ACMG Guidelines, 2015. Collection method: clinical testing. Allele origin: germline.
Comment: The IFT172 c.3911A>G variant is predicted to result in the amino acid substitution p.Asp1304Gly. To our knowledge, this variant has not been reported in the literature or in a large population database (gnomAD), indicating this variant is rare. At this time, the clinical significance of this variant is uncertain due to the absence of conclusive functional and genetic evidence.

NM_015662.3(IFT172):c.3911A>G (p.Asp1304Gly)

Genes: IFT172 (intraflagellar transport 172; minus strand), LOC126806173 (BRD4-independent group 4 enhancer GRCh37_chr2:27676057-27677256; plus strand). Cytogenetic location: 2p23.3.
Variant type: single nucleotide variant.
Coding change: c.3911A>G on transcript NM_015662.3 (MANE Select); coding-DNA position 3911, A replaced by G.
Protein change: p.Asp1304Gly; replaces aspartic acid 1304 with glycine.
Molecular consequence: missense variant.
Genome position (GRCh38, 1-based): chr2:27,453,424, T>C on the plus strand (A>G on the coding strand, the complement: IFT172 is on the minus strand). VCF-style: chr2-27453424-T-C. GRCh37 (hg19) VCF-style: chr2-27676291-T-C.
Other names: c.3845A>G, p.Asp1282Gly (NM_001410739.1); short protein forms D1304G, D1282G.
Identifiers: ClinVar variation 4996325 (VCV004996325.1).
Genomic context (GRCh38, chr2:27,453,424, plus strand): 5'-AAAGGGCCTGCTGTCCTCACCTTCATCCAGCACTTCTCCGCCAGGCCGCTGTTTCCAGAG[T>C]CTCGCACTTTGAGGTAGCAGTCCACGGCACGGCTGTACTCTCCAGCCTGCTCCCAGTGTC-3'
Protein context (NP_056477.1, residues 1294-1314): RAVDCYLKVR[Asp1304Gly]SGNSGLAEKC